The following is an entry in ClinVar:

ClinVar aggregate classification (germline): Uncertain significance (1 of 4 stars; one submission).

Submission:

GeneDx
Classification: Uncertain significance. Last evaluated: 2023-01-27. Review status: criteria provided, single submitter. Criteria: GeneDx Variant Classification Process June 2021. Collection method: clinical testing. Allele origin: germline. Affected: yes.
Comment: Not observed at significant frequency in large population cohorts (gnomAD); In silico analysis supports that this variant does not alter protein structure/function; Has not been previously published as pathogenic or benign to our knowledge

NM_001297595.2(SIN3B):c.2785_2786delinsTC (p.Lys929Ser)

Gene: SIN3B (SIN3 transcription regulator family member B; plus strand). Cytogenetic location: 19p13.11.
Variant type: Indel.
Coding change: c.2785_2786delinsTC on transcript NM_001297595.2 (MANE Select); coding-DNA positions 2785 to 2786, AA replaced by TC.
Protein change: p.Lys929Ser; replaces lysine 929 with serine.
Molecular consequence: missense variant.
Genome position (GRCh38, 1-based): chr19:16,876,504-16,876,505, AA replaced by TC. VCF-style: chr19-16876504-AA-TC. GRCh37 (hg19) VCF-style: chr19-16987315-AA-TC.
Other names: c.1555_1556delinsTC, p.Lys519Ser (NM_001297597.2); c.2881_2882delinsTC, p.Lys961Ser (NM_015260.4); short protein forms K519S, K929S, K961S.
Identifiers: ClinVar variation 2578318 (VCV002578318.1), dbSNP rs2513082367, ClinGen allele CA2580617722.
Genomic context (GRCh38, chr19:16,876,504, plus strand): 5'-GCTGTGCCGGCAGTGGAGGCTGTCAGCGTTCCTGCTCCGCAGGTGATGTTCCTGCAGCGC[AA>TC]AGGGCAGGTGATCATGACCATCGAGCTCCTGGACACCGAGGAGGCCCAGACGGAGGACCC-3'
Protein context (NP_001284524.1, residues 919-939): NCFKVMFLQR[Lys929Ser]GQVIMTIELL